The following is an entry in ClinVar:

ClinVar aggregate classification (germline): Likely benign (1 of 4 stars; one submission).

gnomAD v4.1: 8 of 1,567,438 alleles (0.00051%); highest among the groups gnomAD compares: Middle Eastern, 0.035%; no homozygotes.

Submission:

CeGaT Center for Human Genetics Tuebingen
Classification: Likely benign. Last evaluated: 2026-09-01. Review status: criteria provided, single submitter. Criteria: CeGaT Center For Human Genetics Tuebingen Variant Classification Criteria Version 2. Collection method: clinical testing. Allele origin: germline. Affected: yes. Observed: 1 variant allele.
Comment: DAGLA: BP4, BP7

NM_006133.3(DAGLA):c.2229G>T (p.Ser743=)

Gene: DAGLA (diacylglycerol lipase alpha; plus strand). Cytogenetic location: 11q12.2.
Variant type: single nucleotide variant.
Coding change: c.2229G>T on transcript NM_006133.3 (MANE Select); coding-DNA position 2229, G replaced by T.
Protein change: p.Ser743=; no amino-acid change (serine 743 retained).
Molecular consequence: synonymous variant.
Genome position (GRCh38, 1-based): chr11:61,743,589, G>T. VCF-style: chr11-61743589-G-T. GRCh37 (hg19) VCF-style: chr11-61511061-G-T.
Identifiers: ClinVar variation 5041015 (VCV005041015.1).